The following is an entry in ClinVar:

ClinVar aggregate classification (germline): Uncertain significance (1 of 4 stars; one submission).

Conditions:
Hereditary breast ovarian cancer syndrome. Also called: Hereditary breast and ovarian cancer; Hereditary breast and ovarian cancer syndrome (HBOC); Hereditary breast and ovarian cancer syndrome; BRCA1- and BRCA2-Associated Hereditary Breast and Ovarian Cancer; Hereditary breast and/or ovarian cancer syndrome; Breast and ovarian cancer. Identifiers: Orphanet 145, MedGen C0677776, MeSH D061325, MONDO:0003582. Disease mechanism: loss of function.

Submission:

Labcorp Genetics (formerly Invitae), Labcorp
Classification: Uncertain significance for Hereditary breast ovarian cancer syndrome. Last evaluated: 2020-04-06. Review status: criteria provided, single submitter. Criteria: Invitae Variant Classification Sherloc (09022015). Collection method: clinical testing. Allele origin: germline.
Comment: This variant has not been reported in the literature in individuals with BRCA1-related conditions. Experimental studies have shown that variant(s) at this splice acceptor site (c.594-2A>C) result in the generation of two aberrant transcripts, one that leads to out-of-frame skipping of exon 9 (denoted as del10), and one that leads to the in-frame activation of a cryptic acceptor splice site located 21 nucleotides upstream of the natural splice site in intron 8 (ins21) (PMID: 23239986, 24212087, 24667779). However, an in-frame BRCA1 isoform that skips exons 8 and 9 (also known as exons 9 and 10) is expressed in normal blood and breast tissue, suggesting that this isoform may not be deleterious (PMID: 24569164). In summary, the available evidence is currently insufficient to determine the role of this variant in disease. Therefore, it has been classified as a Variant of Uncertain Significance. This variant is not present in population databases (ExAC no frequency). This sequence change affects an acceptor splice site in intron 8 of the BRCA1 gene. It is expected to disrupt RNA splicing and likely results in an absent or disrupted protein product.

Literature cited by the submitters: PubMed 23239986; PubMed 24212087; PubMed 24667779; PubMed 24569164.

NM_007294.4(BRCA1):c.594-1G>C

Gene: BRCA1 (BRCA1 DNA repair associated; minus strand). Cytogenetic location: 17q21.31.
Variant type: single nucleotide variant.
Coding change: c.594-1G>C on transcript NM_007294.4 (MANE Select); the canonical splice acceptor site of the intron before coding-DNA position 594, G replaced by C.
Molecular consequence: splice acceptor variant. On other transcripts: intron variant (115).
Genome position (GRCh38, 1-based): chr17:43,095,923, C>G on the plus strand (G>C on the coding strand, the complement: BRCA1 is on the minus strand). VCF-style: chr17-43095923-C-G. GRCh37 (hg19) VCF-style: chr17-41247940-C-G.
Other names: c.453-1G>C (NM_001408458.1, NM_001408469.1, NM_001408453.1 and 43 more transcripts); c.-218-1063G>C (NM_001407967.1, NM_001407966.1); c.213-1G>C (NM_001407959.1, NM_001408510.1, NM_001407963.1 and 1 more transcripts); c.404-1063G>C (NM_001407931.1, NM_001407932.1, NM_001408503.1 and 5 more transcripts); c.450-1G>C (NM_001407747.1, NM_001408470.1, NM_001407848.1 and 26 more transcripts); c.210-1G>C (NM_001407962.1); c.167-1063G>C (NM_001408512.1, NM_001407965.1); c.384-1G>C (NM_001407885.1, NM_001407886.1, NM_001407881.1 and 27 more transcripts); and 17 more.
Identifiers: ClinVar variation 1025776 (VCV001025776.10), dbSNP rs757781708, ClinGen allele CA10600922.
Genomic context (GRCh38, chr17:43,095,923, plus strand): 5'-AAACTGATTTCATCCCTGGTTCCTTGAGGGGTGATTTGTAACAATTCTTGATCTCCCACA[C>G]TATAGGGAAAAGACAGAGTCCTAATAAGAAACACTAGTTACATGTATGCAGAACTGTCAA-3'